The following is an entry in ClinVar:

NM_000551.4(VHL):c.*718T>C

Genes: VHL (von Hippel-Lindau tumor suppressor; plus strand), LOC107303340 (3p25 von Hippel-Lindau tumor suppressor, E3 ubiquitin protein ligase Alu-mediated recombination region; plus strand). Cytogenetic location: 3p25.3.
Variant type: single nucleotide variant.
Coding change: c.*718T>C on transcript NM_000551.4 (MANE Select); 718 bases downstream of the stop codon, T replaced by C.
Molecular consequence: 3 prime UTR variant.
Genome position (GRCh38, 1-based): chr3:10,150,683, T>C. VCF-style: chr3-10150683-T-C. GRCh37 (hg19) VCF-style: chr3-10192367-T-C.
Other names: c.*914T>C (NM_001354723.2); c.*718T>C (NM_198156.3).
Identifiers: ClinVar variation 903107 (VCV000903107.4), dbSNP rs116182840, ClinGen allele CA70053137.

ClinVar aggregate classification (germline): Benign (1 of 4 stars; one submission).

Conditions:
Von Hippel-Lindau syndrome (VHLS). Also called: von Hippel–Lindau syndrome; Von Hippel-Lindau; VHL syndrome. Identifiers: Orphanet 892, MedGen C0019562, MONDO:0008667, OMIM 193300. Disease mechanism: loss of function.

Allele frequency attached by ClinVar (database versions not stated): gnomAD 0.00595 and 0.00641; 1000 Genomes Project 0.00679; TOPMed 0.00700; 1000 Genomes Project 30x 0.00765.
gnomAD v4.1: 996 of 234,360 alleles (0.42%); highest among the groups gnomAD compares: African/African-American, 2%; 14 homozygotes.

Submission:

Illumina Laboratory Services, Illumina
Classification: Benign for Von Hippel-Lindau syndrome. Last evaluated: 2018-01-12. Review status: criteria provided, single submitter. Criteria: ICSL Variant Classification Criteria 13 December 2019. Collection method: clinical testing. Allele origin: germline.
Comment: This variant was observed in the ICSL laboratory as part of a predisposition screen in an ostensibly healthy population. It had not been previously curated by ICSL or reported in the Human Gene Mutation Database (HGMD: prior to June 1st, 2018), and was therefore a candidate for classification through an automated scoring system. Utilizing variant allele frequency, disease prevalence and penetrance estimates, and inheritance mode, an automated score was calculated to assess if this variant is too frequent to cause the disease. Based on the score and internal cut-off values, a variant classified as benign is not then subjected to further curation. The score for this variant resulted in a classification of benign for this disease.